The following is an entry in ClinVar:

ClinVar aggregate classification (germline): Uncertain significance (1 of 4 stars; one submission).

gnomAD v4.1: 1 of 1,606,038 alleles (0.000062%); no homozygotes.

Submission:

Ambry Genetics
Classification: Uncertain significance. Last evaluated: 2024-03-10. Review status: criteria provided, single submitter. Criteria: Ambry Variant Classification Scheme 2023. Collection method: clinical testing. Allele origin: germline.
Comment: The p.N1672D variant (also known as c.5014A>G), located in coding exon 16 of the POLQ gene, results from an A to G substitution at nucleotide position 5014. The asparagine at codon 1672 is replaced by aspartic acid, an amino acid with highly similar properties. This amino acid position is conserved. In addition, this alteration is predicted to be tolerated by in silico analysis. Since supporting evidence is limited at this time, the clinical significance of this alteration remains unclear.

NM_199420.4(POLQ):c.5014A>G (p.Asn1672Asp)

Gene: POLQ (DNA polymerase theta; minus strand). Cytogenetic location: 3q13.33.
Variant type: single nucleotide variant.
Coding change: c.5014A>G on transcript NM_199420.4 (MANE Select); coding-DNA position 5014, A replaced by G.
Protein change: p.Asn1672Asp; replaces asparagine 1672 with aspartic acid.
Molecular consequence: missense variant.
Genome position (GRCh38, 1-based): chr3:121,487,917, T>C on the plus strand (A>G on the coding strand, the complement: POLQ is on the minus strand). VCF-style: chr3-121487917-T-C. GRCh37 (hg19) VCF-style: chr3-121206764-T-C.
Other names: short protein forms N1672D.
Identifiers: ClinVar variation 1744777 (VCV001744777.2), dbSNP rs2546785247, ClinGen allele CA354092423.
Genomic context (GRCh38, chr3:121,487,917, plus strand): 5'-CCTGCACTTGTTTTGTCTCCAAGTTTGAAATAACTTCTTGTTCTTCATTTAACTCTGTAT[T>C]TTTTCTATTCAAACTGGAAAAGTTTATAGTCATTGATTTTAGCTTTTCATTTTCTAGAGG-3'
Protein context (NP_955452.3, residues 1662-1682): TINFSSLNRK[Asn1672Asp]TELNEEQEVI